The following is an entry in ClinVar:

NM_001388492.1(HTT):c.295C>T (p.Arg99Cys)

Gene: HTT (huntingtin; plus strand). Cytogenetic location: 4p16.3.
Variant type: single nucleotide variant.
Coding change: c.295C>T on transcript NM_001388492.1 (MANE Select); coding-DNA position 295, C replaced by T.
Protein change: p.Arg99Cys; replaces arginine 99 with cysteine.
Molecular consequence: missense variant.
Genome position (GRCh38, 1-based): chr4:3,086,970, C>T. VCF-style: chr4-3086970-C-T. GRCh37 (hg19) VCF-style: chr4-3088697-C-T.
Other names: c.301C>T, p.Arg101Cys (NM_002111.8); short protein forms R99C, R101C.
Identifiers: ClinVar variation 1416729 (VCV001416729.6), dbSNP rs770370500, ClinGen allele CA2823178.

ClinVar aggregate classification (germline): Uncertain significance (1 of 4 stars; one submission).

Allele frequency attached by ClinVar (database versions not stated): TOPMed below 0.00001; ExAC 0.00001; gnomAD 0.00001; gnomAD exomes 0.00001.
gnomAD v4.1: 12 of 1,606,730 alleles (0.00075%); highest among the groups gnomAD compares: South Asian, 0.0011%; no homozygotes.

Submission:

Labcorp Genetics (formerly Invitae), Labcorp
Classification: Uncertain significance. Last evaluated: 2021-04-28. Review status: criteria provided, single submitter. Criteria: Invitae Variant Classification Sherloc (09022015). Collection method: clinical testing. Allele origin: germline.
Comment: This variant is present in population databases (rs770370500, ExAC 0.002%). This sequence change replaces arginine with cysteine at codon 101 of the HTT protein (p.Arg101Cys). The arginine residue is highly conserved and there is a large physicochemical difference between arginine and cysteine. In summary, the available evidence is currently insufficient to determine the role of this variant in disease. Therefore, it has been classified as a Variant of Uncertain Significance. Experimental studies and prediction algorithms are not available or were not evaluated, and the functional significance of this variant is currently unknown. This variant has not been reported in the literature in individuals with HTT-related conditions.